The following is an entry in ClinVar:

NM_001105206.3(LAMA4):c.2471A>G (p.Gln824Arg)

Gene: LAMA4 (laminin subunit alpha 4; minus strand). Cytogenetic location: 6q21.
Variant type: single nucleotide variant.
Coding change: c.2471A>G on transcript NM_001105206.3 (MANE Select); coding-DNA position 2471, A replaced by G.
Protein change: p.Gln824Arg; replaces glutamine 824 with arginine.
Molecular consequence: missense variant.
Genome position (GRCh38, 1-based): chr6:112,144,816, T>C on the plus strand (A>G on the coding strand, the complement: LAMA4 is on the minus strand). VCF-style: chr6-112144816-T-C. GRCh37 (hg19) VCF-style: chr6-112466018-T-C.
Other names: c.2450A>G, p.Gln817Arg (NM_001105207.3, NM_002290.5); short protein forms Q824R, Q817R.
Identifiers: ClinVar variation 2960043 (VCV002960043.3), dbSNP rs1554334100, ClinGen allele CA365382637.

ClinVar aggregate classification (germline): Uncertain significance (1 of 4 stars; one submission).

Conditions:
Dilated cardiomyopathy 1JJ (CMD1JJ). Identifiers: Orphanet 154, MedGen C3808935, MONDO:0014095, OMIM 615235.

Allele frequency attached by ClinVar (database versions not stated): gnomAD exomes below 0.00001; TOPMed below 0.00001; gnomAD 0.00001.
gnomAD v4.1: 4 of 1,613,576 alleles (0.00025%); highest among the groups gnomAD compares: Admixed American, 0.0017%; no homozygotes.

Submission:

Labcorp Genetics (formerly Invitae), Labcorp
Classification: Uncertain significance for Dilated cardiomyopathy 1JJ. Last evaluated: 2023-08-30. Review status: criteria provided, single submitter. Criteria: Invitae Variant Classification Sherloc (09022015). Collection method: clinical testing. Allele origin: germline.
Comment: In summary, the available evidence is currently insufficient to determine the role of this variant in disease. Therefore, it has been classified as a Variant of Uncertain Significance. This sequence change replaces glutamine, which is neutral and polar, with arginine, which is basic and polar, at codon 817 of the LAMA4 protein (p.Gln817Arg). This variant is present in population databases (no rsID available, gnomAD 0.003%). This variant has not been reported in the literature in individuals affected with LAMA4-related conditions. An algorithm developed to predict the effect of missense changes on protein structure and function (PolyPhen-2) suggests that this variant is likely to be disruptive.